The following is an entry in ClinVar:

NM_001364905.1(LRBA):c.5047C>T (p.Arg1683Ter)

Gene: LRBA (LPS responsive beige-like anchor protein; minus strand). Cytogenetic location: 4q31.3.
Variant type: single nucleotide variant.
Coding change: c.5047C>T on transcript NM_001364905.1 (MANE Select); coding-DNA position 5047, C replaced by T.
Protein change: p.Arg1683Ter; replaces arginine 1683 with a stop codon.
Molecular consequence: nonsense.
Genome position (GRCh38, 1-based): chr4:150,828,304, G>A on the plus strand (C>T on the coding strand, the complement: LRBA is on the minus strand). VCF-style: chr4-150828304-G-A. GRCh37 (hg19) VCF-style: chr4-151749456-G-A.
Other names: c.5047C>T, p.Arg1683Ter (NM_001199282.3, NM_001367550.1, NM_006726.5); short protein forms R1683*.
Identifiers: ClinVar variation 35456 (VCV000035456.9), dbSNP rs199469662, ClinGen allele CA129910.
Genomic context (GRCh38, chr4:150,828,304, plus strand): 5'-CTGGTGGCAGAAGGGCAGGATCCACTGTGACTCCATCTGCTGGTATGTTAACCAAGCTTC[G>A]GAGAATGTCTTTCACATTGACGTTTTTTGAAACTGAAACTGACGGTGTAGCCTTAGTGTC-3'

ClinVar aggregate classification (germline): Pathogenic. Review status: criteria provided, multiple submitters, no conflicts (2 of 4 stars). 3 submissions from 3 submitters: Pathogenic (2). 1 of the submissions does not count toward it. Last evaluated 2022-08-03.

Conditions:
LRBA-related disorder. Also called: LRBA-related condition.
Combined immunodeficiency due to LRBA deficiency. Also called: Common variable immunodeficiency 8, with autoimmunity. Identifiers: Orphanet 445018, MedGen C3553512, MONDO:0013863, OMIM 614700.

Allele frequency attached by ClinVar (database versions not stated): gnomAD exomes below 0.00001; TOPMed below 0.00001.

Submissions (3):

Blueprint Genetics
Classification: Pathogenic for LRBA-related disorders. Last evaluated: 2022-08-03. Review status: criteria provided, single submitter. Criteria: ACMG Guidelines, 2015. Collection method: clinical testing. Allele origin: germline. Affected: yes. Observed: 1 variant allele.

Labcorp Genetics (formerly Invitae), Labcorp
Classification: Pathogenic for Combined immunodeficiency due to LRBA deficiency. Last evaluated: 2022-06-20. Review status: criteria provided, single submitter. Criteria: Invitae Variant Classification Sherloc (09022015). Collection method: clinical testing. Allele origin: germline.
Comment: For these reasons, this variant has been classified as Pathogenic. ClinVar contains an entry for this variant (Variation ID: 35456). This premature translational stop signal has been observed in individual(s) with LRBA deficiency (PMID: 22608502). This variant is not present in population databases (gnomAD no frequency). This sequence change creates a premature translational stop signal (p.Arg1683*) in the LRBA gene. It is expected to result in an absent or disrupted protein product. Loss-of-function variants in LRBA are known to be pathogenic (PMID: 26206937, 26768763).

OMIM
Classification: Pathogenic for IMMUNODEFICIENCY, COMMON VARIABLE, 8, WITH AUTOIMMUNITY. Last evaluated: 2012-06-08. Review status: no assertion criteria provided. Collection method: literature only. Allele origin: germline. Not counted in ClinVar's aggregate classification.

Literature cited by the submitters: PubMed 22608502 (cited by Labcorp Genetics (formerly Invitae), Labcorp and OMIM); PubMed 26206937 (cited by Labcorp Genetics (formerly Invitae), Labcorp); PubMed 26768763 (cited by Labcorp Genetics (formerly Invitae), Labcorp).